The following is an entry in ClinVar:

ClinVar aggregate classification (germline): Uncertain significance. Review status: criteria provided, multiple submitters, no conflicts (2 of 4 stars). 2 submissions from 2 submitters: Uncertain significance (2). Last evaluated 2026-04-26.

Conditions:
VPS13B-related disorder. Also called: VPS13B-related condition.
Cohen syndrome (COH1). Also called: Cutis verticis gyrata, retinitis pigmentosa, and sensorineural deafness; PEPPER SYNDROME. Identifiers: Orphanet 193, MedGen C0265223, MONDO:0008999, OMIM 216550.

Submissions (2):

PreventionGenetics, part of Exact Sciences
Classification: Uncertain significance for VPS13B-related condition. Last evaluated: 2026-04-26. Review status: criteria provided, single submitter. Criteria: ACMG Guidelines, 2015. Collection method: clinical testing. Allele origin: germline.
Comment: The VPS13B c.9500C>T variant is predicted to result in the amino acid substitution p.Pro3167Leu. To our knowledge, this variant has not been reported in the literature or in a large population database (gnomAD), indicating this variant is rare. At this time, the clinical significance of this variant is uncertain due to the absence of conclusive functional and genetic evidence.

Illumina Laboratory Services, Illumina
Classification: Uncertain significance for Cohen syndrome. Last evaluated: 2018-01-12. Review status: criteria provided, single submitter. Criteria: ICSL Variant Classification Criteria 13 December 2019. Collection method: clinical testing. Allele origin: germline.

NM_152564.5(VPS13B):c.9500C>T (p.Pro3167Leu)

Gene: VPS13B (vacuolar protein sorting 13 homolog B; plus strand). Cytogenetic location: 8q22.2.
Variant type: single nucleotide variant.
Coding change: c.9500C>T on transcript NM_152564.5 (MANE Select); coding-DNA position 9500, C replaced by T.
Protein change: p.Pro3167Leu; replaces proline 3167 with leucine.
Molecular consequence: missense variant.
Genome position (GRCh38, 1-based): chr8:99,832,538, C>T. VCF-style: chr8-99832538-C-T. GRCh37 (hg19) VCF-style: chr8-100844766-C-T.
Other names: c.9575C>T, p.Pro3192Leu (NM_017890.5); c.9500C>T (NM_152564.4); short protein forms P3167L, P3192L.
Identifiers: ClinVar variation 911638 (VCV000911638.5), dbSNP rs1815137390, ClinGen allele CA371781697.